The following is an entry in ClinVar:

NM_133433.4(NIPBL):c.838T>G (p.Ser280Ala)

Gene: NIPBL (NIPBL cohesin loading factor; plus strand). Cytogenetic location: 5p13.2.
Variant type: single nucleotide variant.
Coding change: c.838T>G on transcript NM_133433.4 (MANE Select); coding-DNA position 838, T replaced by G.
Protein change: p.Ser280Ala; replaces serine 280 with alanine.
Molecular consequence: missense variant.
Genome position (GRCh38, 1-based): chr5:36,972,011, T>G. VCF-style: chr5-36972011-T-G. GRCh37 (hg19) VCF-style: chr5-36972113-T-G.
Other names: c.838T>G, p.Ser280Ala (NM_015384.5); short protein forms S280A.
Identifiers: ClinVar variation 2730054 (VCV002730054.3), dbSNP rs766956935, ClinGen allele CA3235938.

ClinVar aggregate classification (germline): Uncertain significance (1 of 4 stars; one submission).

Conditions:
Cornelia de Lange syndrome 1 (CDLS1). Also called: Brachmann de Lange syndrome; NIPBL-Related Cornelia de Lange Syndrome; TYPUS DEGENERATIVUS AMSTELODAMENSIS. Identifiers: Orphanet 199, MedGen C4551851, MONDO:0007387, OMIM 122470.

Allele frequency attached by ClinVar (database versions not stated): ExAC 0.00001; gnomAD 0.00003; gnomAD exomes 0.00008.
gnomAD v4.1: 117 of 1,613,050 alleles (0.0073%); highest among the groups gnomAD compares: Non-Finnish European, 0.0093%; no homozygotes.

Submission:

Labcorp Genetics (formerly Invitae), Labcorp
Classification: Uncertain significance for Cornelia de Lange syndrome 1. Last evaluated: 2022-11-23. Review status: criteria provided, single submitter. Criteria: Invitae Variant Classification Sherloc (09022015). Collection method: clinical testing. Allele origin: germline.
Comment: In summary, the available evidence is currently insufficient to determine the role of this variant in disease. Therefore, it has been classified as a Variant of Uncertain Significance. Advanced modeling of protein sequence and biophysical properties (such as structural, functional, and spatial information, amino acid conservation, physicochemical variation, residue mobility, and thermodynamic stability) has been performed at Invitae for this missense variant, however the output from this modeling did not meet the statistical confidence thresholds required to predict the impact of this variant on NIPBL protein function. This variant has not been reported in the literature in individuals affected with NIPBL-related conditions. This variant is present in population databases (rs766956935, gnomAD 0.005%). This sequence change replaces serine, which is neutral and polar, with alanine, which is neutral and non-polar, at codon 280 of the NIPBL protein (p.Ser280Ala).